The following is an entry in ClinVar:

NM_021975.4(RELA):c.1018T>C (p.Ser340Pro)

Gene: RELA (RELA proto-oncogene, NF-kB subunit; minus strand). Cytogenetic location: 11q13.1.
Variant type: single nucleotide variant.
Coding change: c.1018T>C on transcript NM_021975.4 (MANE Select); coding-DNA position 1018, T replaced by C.
Protein change: p.Ser340Pro; replaces serine 340 with proline.
Molecular consequence: missense variant.
Genome position (GRCh38, 1-based): chr11:65,655,703, A>G on the plus strand (T>C on the coding strand, the complement: RELA is on the minus strand). VCF-style: chr11-65655703-A-G. GRCh37 (hg19) VCF-style: chr11-65423174-A-G.
Other names: c.1009T>C, p.Ser337Pro (NM_001145138.2); c.1018T>C, p.Ser340Pro (NM_001243984.2, NM_001243985.2); short protein forms S337P, S340P.
Identifiers: ClinVar variation 1355658 (VCV001355658.8), dbSNP rs1411351659, ClinGen allele CA381389157.

ClinVar aggregate classification (germline): Uncertain significance (1 of 4 stars; one submission).

Allele frequency attached by ClinVar (database versions not stated): gnomAD exomes below 0.00001; gnomAD 0.00001.
gnomAD v4.1: 1 of 1,613,930 alleles (0.000062%); highest among the groups gnomAD compares: African/African-American, 0.0013%; no homozygotes.

Submission:

Labcorp Genetics (formerly Invitae), Labcorp
Classification: Uncertain significance. Last evaluated: 2021-05-20. Review status: criteria provided, single submitter. Criteria: Invitae Variant Classification Sherloc (09022015). Collection method: clinical testing. Allele origin: germline.
Comment: This sequence change replaces serine with proline at codon 340 of the RELA protein (p.Ser340Pro). The serine residue is weakly conserved and there is a moderate physicochemical difference between serine and proline. This variant is not present in population databases (ExAC no frequency). This variant has not been reported in the literature in individuals with RELA-related conditions. Algorithms developed to predict the effect of missense changes on protein structure and function (SIFT, PolyPhen-2, Align-GVGD) all suggest that this variant is likely to be tolerated, but these predictions have not been confirmed by published functional studies and their clinical significance is uncertain. In summary, the available evidence is currently insufficient to determine the role of this variant in disease. Therefore, it has been classified as a Variant of Uncertain Significance.